The following is an entry in ClinVar:

NM_003014.4(SFRP4):c.515G>A (p.Arg172His)

Gene: SFRP4 (secreted frizzled related protein 4; minus strand). Cytogenetic location: 7p14.1.
Variant type: single nucleotide variant.
Coding change: c.515G>A on transcript NM_003014.4 (MANE Select); coding-DNA position 515, G replaced by A.
Protein change: p.Arg172His; replaces arginine 172 with histidine.
Molecular consequence: missense variant.
Genome position (GRCh38, 1-based): chr7:37,914,384, C>T on the plus strand (G>A on the coding strand, the complement: SFRP4 is on the minus strand). VCF-style: chr7-37914384-C-T. GRCh37 (hg19) VCF-style: chr7-37953986-C-T.
Other names: short protein forms R172H.
Identifiers: ClinVar variation 1904210 (VCV001904210.2), dbSNP rs372088978, ClinGen allele CA4222842.
Genomic context (GRCh38, chr7:37,914,384, plus strand): 5'-CACTCTGGAGAGGAGAAGTAGAGGGAACGTCCATGAAGAAAGAACTCACCGGGGCTTAGG[C>T]GTTTACAGTCAACATCAAGAGGCCTTTCCTGTACCATCATGTCTGGTGTGATGTCTATCC-3'
Protein context (NP_003005.2, residues 162-182): QERPLDVDCK[Arg172His]LSPDRCKCKK

ClinVar aggregate classification (germline): Uncertain significance (1 of 4 stars; one submission).

Allele frequency attached by ClinVar (database versions not stated): gnomAD 0.00007; ESP Exome Variant Server 0.00008.
gnomAD v4.1: 21 of 1,613,284 alleles (0.0013%); highest among the groups gnomAD compares: African/African-American, 0.019%; no homozygotes.

Submission:

Labcorp Genetics (formerly Invitae), Labcorp
Classification: Uncertain significance. Last evaluated: 2021-12-22. Review status: criteria provided, single submitter. Criteria: Invitae Variant Classification Sherloc (09022015). Collection method: clinical testing. Allele origin: germline.
Comment: This sequence change replaces arginine, which is basic and polar, with histidine, which is basic and polar, at codon 172 of the SFRP4 protein (p.Arg172His). This variant is present in population databases (rs372088978, gnomAD 0.02%). This variant has not been reported in the literature in individuals affected with SFRP4-related conditions. Algorithms developed to predict the effect of missense changes on protein structure and function output the following: SIFT: "Tolerated"; PolyPhen-2: "Benign"; Align-GVGD: "Class C0". The histidine amino acid residue is found in multiple mammalian species, which suggests that this missense change does not adversely affect protein function. In summary, the available evidence is currently insufficient to determine the role of this variant in disease. Therefore, it has been classified as a Variant of Uncertain Significance.